The following is an entry in ClinVar:

NM_033380.3(COL4A5):c.3943-427_3943-405dup

Gene: COL4A5 (collagen type IV alpha 5 chain; plus strand). Cytogenetic location: Xq22.3.
Variant type: Duplication.
Coding change: c.3943-427_3943-405dup on transcript NM_033380.3 (MANE Select); 427 bases into the intron before coding-DNA position 3943 through 405 bases into the intron before coding-DNA position 3943, 23 bases duplicated (GGAGATCCTGTGACACTTTTACA).
Molecular consequence: intron variant.
Genome position (GRCh38, 1-based): chrX:108,680,252-108,680,274, GGAGATCCTGTGACACTTTTACA duplicated. VCF-style (leftmost placement, unchanged base first): chrX-108680251-G-GGGAGATCCTGTGACACTTTTACA. GRCh37 (hg19) VCF-style: chrX-107923481-G-GGGAGATCCTGTGACACTTTTACA.
Other names: c.3925-427_3925-405dup (NM_000495.5).
Identifiers: ClinVar variation 5038147 (VCV005038147.1).

ClinVar aggregate classification (germline): Uncertain significance (1 of 4 stars; one submission).

Conditions:
X-linked Alport syndrome (ATS1). Also called: COL4A5-Related Nephropathy; NEPHROPATHY AND DEAFNESS, X-LINKED. Identifiers: Orphanet 63, Orphanet 88917, MedGen C4746986, MONDO:0010520, OMIM 301050.

Submission:

MVZ Medizinische Genetik Mainz
Classification: Uncertain significance for X-linked Alport syndrome. Last evaluated: 2026-09-11. Review status: criteria provided, single submitter. Criteria: UK Practice Guidelines For Variant Classification V4 01 2020. Collection method: clinical testing. Allele origin: germline. Inheritance: X-linked dominant inheritance. Affected: yes. Observed: 1 variant allele.
Comment: ACMG Criteria: PM2_SUP,PP3,PP4